The following is an entry in ClinVar:

NM_001048174.2(MUTYH):c.1379C>G (p.Thr460Ser)

Gene: MUTYH (mutY DNA glycosylase; minus strand). Cytogenetic location: 1p34.1.
Variant type: single nucleotide variant.
Coding change: c.1379C>G on transcript NM_001048174.2 (MANE Select); coding-DNA position 1379, C replaced by G.
Protein change: p.Thr460Ser; replaces threonine 460 with serine.
Molecular consequence: missense variant. On other transcripts: non-coding transcript variant (7).
Genome position (GRCh38, 1-based): chr1:45,331,195, G>C on the plus strand (C>G on the coding strand, the complement: MUTYH is on the minus strand). VCF-style: chr1-45331195-G-C. GRCh37 (hg19) VCF-style: chr1-45796867-G-C.
Other names: c.1379C>G, p.Thr460Ser (NM_001407089.1, NM_001407088.1, NM_001048171.2 and 6 more transcripts); c.1400C>G, p.Thr467Ser (NM_001407087.1); c.1382C>G, p.Thr461Ser (NM_001048172.2, NM_001407071.1, NM_001407078.1 and 1 more transcripts); c.1463C>G, p.Thr488Ser (NM_001128425.2); c.1424C>G, p.Thr475Ser (NM_001293190.2); c.1412C>G, p.Thr471Ser (NM_001293191.2, NM_001407069.1, NM_001407077.1); c.1103C>G, p.Thr368Ser (NM_001293192.2, NM_001293196.2, NM_001407091.1); c.1034C>G, p.Thr345Ser (NM_001350650.2, NM_001350651.2, NM_001407082.1); and 5 more; short protein forms T345S, T447S, T485S, T432S, T460S, T471S, T474S, T368S.
Identifiers: ClinVar variation 4113267 (VCV004113267.1).

ClinVar aggregate classification (germline): Uncertain significance (1 of 4 stars; one submission).

Conditions:
Hereditary cancer-predisposing syndrome. Also called: Tumor predisposition; Neoplastic Syndromes, Hereditary; Hereditary neoplastic syndrome; Hereditary Cancer Syndrome. Identifiers: Orphanet 140162, MedGen C0027672, MeSH D009386, MONDO:0015356.

Submission:

Ambry Genetics
Classification: Uncertain significance for Hereditary cancer-predisposing syndrome. Last evaluated: 2025-08-27. Review status: criteria provided, single submitter. Criteria: Ambry Variant Classification Scheme 2023. Collection method: clinical testing. Allele origin: germline.
Comment: The p.T488S variant (also known as c.1463C>G), located in coding exon 14 of the MUTYH gene, results from a C to G substitution at nucleotide position 1463. The threonine at codon 488 is replaced by serine, an amino acid with similar properties. This amino acid position is conserved. In addition, this alteration is predicted to be deleterious by in silico analysis. Based on the available evidence, the clinical significance of this variant remains unclear.